The following is an entry in ClinVar:

ClinVar aggregate classification (germline): Uncertain significance. Review status: criteria provided, multiple submitters, no conflicts (2 of 4 stars). 3 submissions from 3 submitters: Uncertain significance (3). Last evaluated 2025-10-05.

Conditions:
Intellectual disability, autosomal dominant 16 (CSS4). Also called: COFFIN-SIRIS SYNDROME 4. Identifiers: Orphanet 1465, MedGen C3553249, MONDO:0013821, OMIM 614609.
Hereditary cancer-predisposing syndrome. Also called: Hereditary Cancer Syndrome; Neoplastic Syndromes, Hereditary; Tumor predisposition; Hereditary neoplastic syndrome. Identifiers: Orphanet 140162, MedGen C0027672, MeSH D009386, MONDO:0015356.
Rhabdoid tumor predisposition syndrome 2 (RTPS2). Identifiers: Orphanet 231108, Orphanet 69077, MedGen C2750074, MONDO:0013224, OMIM 613325.

Allele frequency attached by ClinVar (database versions not stated): gnomAD exomes below 0.00001.
gnomAD v4.1: 2 of 1,613,268 alleles (0.00012%); highest among the groups gnomAD compares: Non-Finnish European, 0.00017%; no homozygotes.

Submissions (3):

Labcorp Genetics (formerly Invitae), Labcorp
Classification: Uncertain significance for Rhabdoid tumor predisposition syndrome 2. Last evaluated: 2025-10-05. Review status: criteria provided, single submitter. Criteria: Invitae Variant Classification Sherloc (09022015). Collection method: clinical testing. Allele origin: germline.
Comment: This sequence change replaces leucine, which is neutral and non-polar, with phenylalanine, which is neutral and non-polar, at codon 1204 of the SMARCA4 protein (p.Leu1204Phe). This variant is not present in population databases (gnomAD no frequency). This variant has not been reported in the literature in individuals affected with SMARCA4-related conditions. ClinVar contains an entry for this variant (Variation ID: 480589). Invitae Evidence Modeling of protein sequence and biophysical properties (such as structural, functional, and spatial information, amino acid conservation, physicochemical variation, residue mobility, and thermodynamic stability) indicates that this missense variant is expected to disrupt SMARCA4 protein function with a positive predictive value of 95%. In summary, the available evidence is currently insufficient to determine the role of this variant in disease. Therefore, it has been classified as a Variant of Uncertain Significance.

Ambry Genetics
Classification: Uncertain significance for Hereditary cancer-predisposing syndrome. Last evaluated: 2025-05-27. Review status: criteria provided, single submitter. Criteria: Ambry Variant Classification Scheme 2023. Collection method: clinical testing. Allele origin: germline.
Comment: The p.L1204F variant (also known as c.3610C>T), located in coding exon 25 of the SMARCA4 gene, results from a C to T substitution at nucleotide position 3610. The leucine at codon 1204 is replaced by phenylalanine, an amino acid with highly similar properties. This amino acid position is highly conserved in available vertebrate species. In addition, the in silico prediction for this alteration is inconclusive. This variant has been detected in multiple individuals with no reported features of SMARCA4-associated disease (Ambry internal data). Based on the supporting evidence, the association of this alteration with rhabdoid tumor predisposition syndrome is unknown; however, the association of this alteration with Coffin-Siris syndrome is unlikely.

Genome-Nilou Lab
Classification: Uncertain significance for Intellectual disability, autosomal dominant 16. Last evaluated: 2021-07-15. Review status: criteria provided, single submitter. Criteria: ACMG Guidelines, 2015. Collection method: clinical testing. Allele origin: germline. Affected: no.

NM_003072.5(SMARCA4):c.3610C>T (p.Leu1204Phe)

Gene: SMARCA4 (SWI/SNF related BAF chromatin remodeling complex subunit ATPase 4; plus strand). Cytogenetic location: 19p13.2.
Variant type: single nucleotide variant.
Coding change: c.3610C>T on transcript NM_003072.5 (MANE Select); coding-DNA position 3610, C replaced by T.
Protein change: p.Leu1204Phe; replaces leucine 1204 with phenylalanine.
Molecular consequence: missense variant. On other transcripts: non-coding transcript variant (1).
Genome position (GRCh38, 1-based): chr19:11,033,353, C>T. VCF-style: chr19-11033353-C-T. GRCh37 (hg19) VCF-style: chr19-11144029-C-T.
Other names: c.3610C>T, p.Leu1204Phe (NM_001128844.3, NM_001128845.2, NM_001128846.2 and 5 more transcripts); short protein forms L1204F.
Identifiers: ClinVar variation 480589 (VCV000480589.15), dbSNP rs1555784504, ClinGen allele CA404065386.